The following is an entry in ClinVar:

ClinVar aggregate classification (germline): Uncertain significance (1 of 4 stars; one submission).

Conditions:
Hypertrophic cardiomyopathy. Also called: HYPERTROPHIC MYOCARDIOPATHY. Identifiers: Orphanet 217569, MedGen C0007194, MeSH D002312, MONDO:0005045, HP:0001639.

Submission:

Labcorp Genetics (formerly Invitae), Labcorp
Classification: Uncertain significance for Hypertrophic cardiomyopathy. Last evaluated: 2025-08-04. Review status: criteria provided, single submitter. Criteria: Invitae Variant Classification Sherloc (09022015). Collection method: clinical testing. Allele origin: germline.
Comment: This sequence change replaces alanine, which is neutral and non-polar, with serine, which is neutral and polar, at codon 273 of the JPH2 protein (p.Ala273Ser). The frequency data for this variant in the population databases is considered unreliable, as metrics indicate poor data quality at this position in the gnomAD database. This variant has not been reported in the literature in individuals affected with JPH2-related conditions. ClinVar contains an entry for this variant (Variation ID: 3020485). An algorithm developed to predict the effect of missense changes on protein structure and function (PolyPhen-2) suggests that this variant is likely to be tolerated. In summary, the available evidence is currently insufficient to determine the role of this variant in disease. Therefore, it has been classified as a Variant of Uncertain Significance.

NM_020433.5(JPH2):c.817G>T (p.Ala273Ser)

Gene: JPH2 (junctophilin 2; minus strand). Cytogenetic location: 20q13.12.
Variant type: single nucleotide variant.
Coding change: c.817G>T on transcript NM_020433.5 (MANE Select); coding-DNA position 817, G replaced by T.
Protein change: p.Ala273Ser; replaces alanine 273 with serine.
Molecular consequence: missense variant.
Genome position (GRCh38, 1-based): chr20:44,159,970, C>A on the plus strand (G>T on the coding strand, the complement: JPH2 is on the minus strand). VCF-style: chr20-44159970-C-A. GRCh37 (hg19) VCF-style: chr20-42788610-C-A.
Other names: short protein forms A273S.
Identifiers: ClinVar variation 3020485 (VCV003020485.3), dbSNP rs371565133, ClinGen allele CA9868812.